The following is an entry in ClinVar:

NM_015570.4(AUTS2):c.1603_1626del (p.531HQHT[1])

Gene: AUTS2 (activator of transcription and developmental regulator AUTS2; plus strand). Cytogenetic location: 7q11.22.
Variant type: Deletion.
Coding change: c.1603_1626del on transcript NM_015570.4 (MANE Select); coding-DNA positions 1603 to 1626, 24 bases deleted (CACCAGCACACGCACCAGCACACC).
Protein change: p.531HQHT[1].
Molecular consequence: inframe deletion.
Genome position (GRCh38, 1-based): chr7:70,766,248-70,766,271, CACCAGCACACGCACCAGCACACC deleted; deleting any 24 consecutive bases within chr7:70,766,235-70,766,271 gives the same sequence; the c. name uses the placement nearest the transcript's 3' end. VCF-style (leftmost placement, unchanged base first): chr7-70766234-AGCACCAGCACACCCACCAGCACAC-A. GRCh37 (hg19) VCF-style: chr7-70231220-AGCACCAGCACACCCACCAGCACAC-A.
Other names: c.1603_1626del (NM_015570.3); c.1603_1626del24 (NM_015570.3, NM_015570.2); c.1603_1626delCACCAGCACACGCACCAGCACACC (NM_015570.2); c.1603_1626del, p.531HQHT[1] (NM_001127231.3).
Identifiers: ClinVar variation 984610 (VCV000984610.39), dbSNP rs1789934246, ClinGen allele CA1102748067.
Genomic context (GRCh38, chr7:70,766,234, plus strand): 5'-GCGGGGCTTCCCTGGGCCCTCCGCCCTACCTGCGGACCGAGTTCCATCAGCACCAGCACC[AGCACCAGCACACCCACCAGCACAC>A]GCACCAGCACACCTTCACGCCGTTCCCCCACGCCATCCCACCCACCGCCATCATGCCGAC-3'

ClinVar aggregate classification (germline): Conflicting classifications of pathogenicity. Review status: criteria provided, conflicting classifications (1 of 4 stars). 15 submissions from 15 submitters: Pathogenic (8); Likely pathogenic (3); Uncertain significance (2). 2 of the submissions do not count toward it. Last evaluated 2025-12-30.

Conditions:
Inborn genetic diseases. Identifiers: MedGen C0950123, MeSH D030342.
AUTS2-related disorder. Also called: AUTS2-related condition.
Autism spectrum disorder due to AUTS2 deficiency (MRD26). Also called: INTELLECTUAL DEVELOPMENTAL DISORDER, AUTOSOMAL DOMINANT 26. Identifiers: Orphanet 352490, MedGen C4014435, MONDO:0014361, OMIM 615834.
Neurodevelopmental abnormality. Identifiers: MedGen C4022737, HP:0012759.

Submissions (15):

Dasa
Classification: Likely pathogenic. Last evaluated: 2025-12-30. Review status: criteria provided, single submitter. Criteria: DASA Assertion Criteria. Collection method: clinical testing. Allele origin: germline.
Comment: NM_015570.4(AUTS2):c.1603_1626del (p.His535_Thr542del) is an in-frame deletion predicted to remove amino acids from histidine at protein position 535 through threonine at protein position 542 without shifting the reading frame. The affected residue or protein region has prior evidence supporting clinical relevance. This variant has been reported as a de novo occurrence in an affected individual (PMID: 33562463). Also, this variant is rare in population databases. Based on the currently available evidence, this variant is classified as likely pathogenic.

3billion
Classification: Likely pathogenic for Autism spectrum disorder due to AUTS2 deficiency. Last evaluated: 2025-11-19. Review status: criteria provided, single submitter. Criteria: ACMG Guidelines, 2015. Collection method: clinical testing. Allele origin: germline. Affected: yes.
Comment: The variant is not observed in the gnomAD v4.1.0 dataset. Predicted Consequence/Location: Inframe deletion variant The variant has been reported at least twice as pathogenic without evidence for the classification (ClinVar ID: VCV000984610 /PMID: 33562463 /3billion dataset). Therefore, this variant is classified as Likely pathogenic according to the recommendation of ACMG/AMP guideline.

CeGaT Center for Human Genetics Tuebingen
Classification: Pathogenic. Last evaluated: 2025-10-01. Review status: criteria provided, single submitter. Criteria: CeGaT Center For Human Genetics Tuebingen Variant Classification Criteria Version 2. Collection method: clinical testing. Allele origin: germline. Affected: yes. Observed: 1 variant allele.
Comment: AUTS2: PS2, PM2, PM4, PS4:Moderate

Ambry Genetics
Classification: Pathogenic for Inborn genetic diseases. Last evaluated: 2025-03-14. Review status: criteria provided, single submitter. Criteria: Ambry Variant Classification Scheme 2023. Collection method: clinical testing. Allele origin: germline.
Comment: The c.1603_1626del24 (p.H535_T542del) alteration, located in coding exon 9 of the AUTS2 gene, results from an in-frame deletion of 24 nucleotides at positions c.1603 to c.1626. This results in the deletion of 8 amino acids at codons 535 to 542. This variant was not reported in population-based cohorts in the Genome Aggregation Database (gnomAD). This variant was reported in multiple individuals with features consistent with AUTS2-related neurodevelopmental disorder; in at least one individual, it was determined to be de novo (Palumbo, 2021; Veronese, 2025; Ambry internal data). These amino acid positions are highly conserved in available vertebrate species. This alteration is predicted to be deleterious by in silico analysis (Choi, 2012). Based on the available evidence, this alteration is classified as pathogenic.

Labcorp Genetics (formerly Invitae), Labcorp
Classification: Uncertain significance. Last evaluated: 2024-08-19. Review status: criteria provided, single submitter. Criteria: Invitae Variant Classification Sherloc (09022015). Collection method: clinical testing. Allele origin: germline.
Comment: This variant, c.1603_1626del, results in the deletion of 8 amino acid(s) of the AUTS2 protein (p.His535_Thr542del), but otherwise preserves the integrity of the reading frame. This variant is not present in population databases (gnomAD no frequency). This variant has been observed in individual(s) with AUTS2 syndrome and/or clinical features of AUTS2-related conditions (PMID: 33562463, 35032046). In at least one individual the variant was observed to be de novo. ClinVar contains an entry for this variant (Variation ID: 984610). Experimental studies and prediction algorithms are not available or were not evaluated, and the functional significance of this variant is currently unknown. In summary, the available evidence is currently insufficient to determine the role of this variant in disease. Therefore, it has been classified as a Variant of Uncertain Significance.

Baylor Genetics
Classification: Pathogenic for Autism spectrum disorder due to AUTS2 deficiency. Last evaluated: 2023-09-05. Review status: criteria provided, single submitter. Criteria: ACMG Guidelines, 2015. Collection method: clinical testing. Allele origin: unknown.

GeneDx
Classification: Pathogenic. Last evaluated: 2023-05-23. Review status: criteria provided, single submitter. Criteria: GeneDx Variant Classification Process June 2021. Collection method: clinical testing. Allele origin: germline. Affected: yes.
Comment: Not observed in large population cohorts (gnomAD); In silico analysis supports a deleterious effect on protein structure/function; This variant is associated with the following publications: (PMID: 35032046, 33562463)

Blueprint Genetics
Classification: Pathogenic for AUTS2-related disorders. Last evaluated: 2023-04-25. Review status: criteria provided, single submitter. Criteria: ACMG Guidelines, 2015. Collection method: clinical testing. Allele origin: germline. Affected: yes. Observed: 3 variant alleles.

Duke University Health System Sequencing Clinic, Duke University Health System
Classification: Pathogenic for Autism spectrum disorder due to AUTS2 deficiency. Last evaluated: 2023-04-20. Review status: criteria provided, single submitter. Criteria: ACMG Guidelines, 2015. Collection method: research. Allele origin: de novo. Affected: yes.

Genetics Laboratory, UDIAT-Centre Diagnòstic, Hospital Universitari Parc Tauli
Classification: Pathogenic. Last evaluated: 2021-04-26. Review status: criteria provided, single submitter. Criteria: Parc Tauli Hospital Assertion Criteria 2021. Collection method: clinical testing. Allele origin: de novo. Inheritance: Autosomal dominant inheritance. Affected: yes. Observed: 1 heterozygote.
Comment: PS3_strong;PM1_moderate;PM2_supporting;PM4_moderate;PM6_moderate;PP3_supporting

Revvity Omics, Revvity
Classification: Uncertain significance for Autism spectrum disorder due to AUTS2 deficiency. Last evaluated: 2020-03-16. Review status: criteria provided, single submitter. Criteria: ACMG Guidelines, 2015. Collection method: clinical testing. Allele origin: germline.

Imagene.me medical diagnostic laboratory, IMAGENE.ME SA
Classification: Pathogenic for Autism spectrum disorder due to AUTS2 deficiency. Review status: criteria provided, single submitter. Criteria: IMAGENE.ME Variant Classification SOP 2022. Collection method: clinical testing. Allele origin: de novo. Affected: yes.
Comment: Classified according to the IMAGENE.ME variant classification SOP based on the ACMG guidelines as Pathogenic (P): PS2 + PS4 + PM2 + PM4 + PP4

Juno Genomics, Hangzhou Juno Genomics, Inc
Classification: Likely pathogenic for Autism spectrum disorder due to AUTS2 deficiency. Review status: criteria provided, single submitter. Criteria: ACMG Guidelines, 2015. Collection method: clinical testing. Allele origin: germline. Affected: yes.
Comment: Absent from controls (or at extremely low frequency if recessive) in Genome Aggregation Database, Exome Sequencing Project, 1000 Genomes Project, or Exome Aggregation Consortium.;Protein length changes due to in-frame deletions/insertions in a non-repeat region or stop-loss variants.;De novo (both maternity and paternity confirmed) in a patient with the disease and no family history.;The prevalence of the variant in affected individuals is significantly increased compared to the prevalence in controls.;Patient's phenotype or family history is highly specific for a disease with a single genetic etiology.

PreventionGenetics, part of Exact Sciences
Classification: Likely pathogenic for AUTS2-related condition. Last evaluated: 2024-05-02. Review status: no assertion criteria provided. Collection method: clinical testing. Allele origin: germline. Not counted in ClinVar's aggregate classification.
Comment: The AUTS2 c.1603_1626del24 variant is predicted to result in an in-frame deletion (p.His535_Thr542del). This variant was reported in two individuals with a neurodevelopmental disorder phenotype (Table S1, Sukenik-Halevy et al. 2022. PubMed ID: 35032046; de novo, Palumbo et al. 2021. PubMed ID: 33562463). This variant has not been reported in a large population database, indicating this variant is rare. This variant is interpreted as likely pathogenic.

Department of Genetics, Rouen University Hospital, Normandy Center for Genomic and Personalized Medicine
Classification: Likely pathogenic for Neurodevelopmental abnormality. Last evaluated: 2020-04-03. Review status: no assertion criteria provided. Collection method: clinical testing. Allele origin: de novo. Affected: yes. Not counted in ClinVar's aggregate classification.

Literature cited by the submitters: PubMed 33562463 (cited by 4 submitters); PubMed 35032046 (cited by Dasa and Labcorp Genetics (formerly Invitae), Labcorp); PubMed 39374907 (cited by Ambry Genetics).